The following is an entry in ClinVar:

ClinVar aggregate classification (germline): Uncertain significance. Review status: criteria provided, multiple submitters, no conflicts (2 of 4 stars). 2 submissions from 2 submitters: Uncertain significance (2). Last evaluated 2026-08-31.

Conditions:
Inborn genetic diseases. Identifiers: MedGen C0950123, MeSH D030342.

gnomAD v4.1: 1 of 1,553,362 alleles (0.000064%); highest among the groups gnomAD compares: Non-Finnish European, 0.000087%; no homozygotes.

Submissions (2):

Ambry Genetics
Classification: Uncertain significance for Inborn genetic diseases. Last evaluated: 2026-08-31. Review status: criteria provided, single submitter. Criteria: Ambry Variant Classification Scheme 2023. Collection method: clinical testing. Allele origin: germline.

Labcorp Genetics (formerly Invitae), Labcorp
Classification: Uncertain significance. Last evaluated: 2022-07-19. Review status: criteria provided, single submitter. Criteria: Invitae Variant Classification Sherloc (09022015). Collection method: clinical testing. Allele origin: germline.
Comment: This sequence change replaces glycine, which is neutral and non-polar, with alanine, which is neutral and non-polar, at codon 96 of the COL9A2 protein (p.Gly96Ala). This variant is not present in population databases (gnomAD no frequency). This variant has not been reported in the literature in individuals affected with COL9A2-related conditions. Advanced modeling of protein sequence and biophysical properties (such as structural, functional, and spatial information, amino acid conservation, physicochemical variation, residue mobility, and thermodynamic stability) performed at Invitae indicates that this missense variant is expected to disrupt COL9A2 protein function. In summary, the available evidence is currently insufficient to determine the role of this variant in disease. Therefore, it has been classified as a Variant of Uncertain Significance.

NM_001852.4(COL9A2):c.287G>C (p.Gly96Ala)

Gene: COL9A2 (collagen type IX alpha 2 chain; minus strand). Cytogenetic location: 1p34.2.
Variant type: single nucleotide variant.
Coding change: c.287G>C on transcript NM_001852.4 (MANE Select); coding-DNA position 287, G replaced by C.
Protein change: p.Gly96Ala; replaces glycine 96 with alanine.
Molecular consequence: missense variant.
Genome position (GRCh38, 1-based): chr1:40,312,747, C>G on the plus strand (G>C on the coding strand, the complement: COL9A2 is on the minus strand). VCF-style: chr1-40312747-C-G. GRCh37 (hg19) VCF-style: chr1-40778419-C-G.
Other names: c.287G>C (NM_001852.3); short protein forms G96A.
Identifiers: ClinVar variation 1944329 (VCV001944329.6), dbSNP rs1442701214, ClinGen allele CA339857410.